The following is an entry in ClinVar:

ClinVar aggregate classification (germline): Uncertain significance. Review status: criteria provided, multiple submitters, no conflicts (2 of 4 stars). 2 submissions from 2 submitters: Uncertain significance (2). Last evaluated 2025-04-01.

Conditions:
Inborn genetic diseases. Identifiers: MedGen C0950123, MeSH D030342.
Huntington disease-like 1 (HDL1). Also called: HUNTINGTON-LIKE NEURODEGENERATIVE DISORDER 1; HUNTINGTON-LIKE NEURODEGENERATIVE DISORDER, AUTOSOMAL DOMINANT; PRION DISEASE, EARLY-ONSET, WITH PROMINENT PSYCHIATRIC FEATURES. Identifiers: Orphanet 157941, MedGen C1864112, MONDO:0011299, OMIM 603218.

Allele frequency attached by ClinVar (database versions not stated): gnomAD exomes below 0.00001.
gnomAD v4.1: 4 of 1,613,870 alleles (0.00025%); highest among the groups gnomAD compares: South Asian, 0.0033%; no homozygotes.

Submissions (2):

Ambry Genetics
Classification: Uncertain significance for Inborn genetic diseases. Last evaluated: 2025-04-01. Review status: criteria provided, single submitter. Criteria: Ambry Variant Classification Scheme 2023. Collection method: clinical testing. Allele origin: germline.

Labcorp Genetics (formerly Invitae), Labcorp
Classification: Uncertain significance for Huntington disease-like 1. Last evaluated: 2022-07-02. Review status: criteria provided, single submitter. Criteria: Invitae Variant Classification Sherloc (09022015). Collection method: clinical testing. Allele origin: germline.
Comment: In summary, the available evidence is currently insufficient to determine the role of this variant in disease. Therefore, it has been classified as a Variant of Uncertain Significance. Algorithms developed to predict the effect of missense changes on protein structure and function are either unavailable or do not agree on the potential impact of this missense change (SIFT: "Tolerated"; PolyPhen-2: "Not Available"; Align-GVGD: "Class C0"). This variant has not been reported in the literature in individuals affected with PRNP-related conditions. This variant is not present in population databases (gnomAD no frequency). This sequence change replaces proline, which is neutral and non-polar, with serine, which is neutral and polar, at codon 239 of the PRNP protein (p.Pro239Ser).

NM_000311.5(PRNP):c.715C>T (p.Pro239Ser)

Gene: PRNP (prion protein (Kanno blood group); plus strand). Cytogenetic location: 20p13.
Variant type: single nucleotide variant.
Coding change: c.715C>T on transcript NM_000311.5 (MANE Select); coding-DNA position 715, C replaced by T.
Protein change: p.Pro239Ser; replaces proline 239 with serine.
Molecular consequence: missense variant. On other transcripts: 3 prime UTR variant (1).
Genome position (GRCh38, 1-based): chr20:4,699,935, C>T. VCF-style: chr20-4699935-C-T. GRCh37 (hg19) VCF-style: chr20-4680581-C-T.
Other names: c.715C>T, p.Pro239Ser (NM_001080121.3, NM_001080122.3, NM_001080123.3 and 1 more transcripts); c.*404C>T (NM_001271561.3); c.715C>T (NM_000311.3); short protein forms P239S.
Identifiers: ClinVar variation 2200075 (VCV002200075.5), dbSNP rs1191139947, ClinGen allele CA408152963.